The following is an entry in ClinVar:

ClinVar aggregate classification (germline): Uncertain significance (1 of 4 stars; one submission).

Conditions:
Cone-rod dystrophy 7 (CORD7). Identifiers: Orphanet 1872, MedGen C1863634, MONDO:0011355, OMIM 603649.

Allele frequency attached by ClinVar (database versions not stated): gnomAD exomes below 0.00001.
gnomAD v4.1: 1 of 1,605,700 alleles (0.000062%); highest among the groups gnomAD compares: Non-Finnish European, 0.000085%; no homozygotes.

Submission:

Centre for Mendelian Genomics, University Medical Centre Ljubljana
Classification: Uncertain significance for Cone-rod dystrophy 7. Last evaluated: 2019-08-26. Review status: criteria provided, single submitter. Criteria: ACMG Guidelines, 2015. Collection method: clinical testing. Allele origin: unknown. Affected: yes.
Comment: This variant was classified as: Uncertain significance. The available evidence on this variant's pathogenicity is insufficient or conflicting. The following ACMG criteria were applied in classifying this variant: PM2,PP3.

NM_014989.7(RIMS1):c.3919G>A (p.Gly1307Arg)

Gene: RIMS1 (regulating synaptic membrane exocytosis 1; plus strand). Cytogenetic location: 6q13.
Variant type: single nucleotide variant.
Coding change: c.3919G>A on transcript NM_014989.7 (MANE Select); coding-DNA position 3919, G replaced by A.
Protein change: p.Gly1307Arg; replaces glycine 1307 with arginine.
Molecular consequence: missense variant. On other transcripts: intron variant (24).
Genome position (GRCh38, 1-based): chr6:72,307,326, G>A. VCF-style: chr6-72307326-G-A. GRCh37 (hg19) VCF-style: chr6-73017029-G-A.
Other names: c.1879G>A, p.Gly627Arg (NM_001168407.2); c.1840G>A, p.Gly614Arg (NM_001350414.2); c.1963G>A, p.Gly655Arg (NM_001350415.2); c.1912G>A, p.Gly638Arg (NM_001350416.2); c.1885G>A, p.Gly629Arg (NM_001350418.2); c.1993G>A, p.Gly665Arg (NM_001350420.2); c.1738G>A, p.Gly580Arg (NM_001350421.2); c.1654G>A, p.Gly552Arg (NM_001350423.2, NM_001350444.2); and 51 more; short protein forms G496R, G547R, G552R, G597R, G613R, G614R, G689R, G1307R.
Identifiers: ClinVar variation 930509 (VCV000930509.3), dbSNP rs2095260209, ClinGen allele CA364690470.
Genomic context (GRCh38, chr6:72,307,326, plus strand): 5'-GTAGTGGAGGAGCGAACAAGACAGATGAAAATGAAAGTGCATCGATTTAAGCAGACAACA[G>A]GGTCTGGTTCTAGTCAAGAACTTGATCGCGAGCAATATTCCAAGGTAAAATTAGTAGTAT-3'
Protein context (NP_055804.2, residues 1297-1317): MKVHRFKQTT[Gly1307Arg]SGSSQELDRE